The following is an entry in ClinVar:

NM_000702.4(ATP1A2):c.1412G>C (p.Arg471Thr)

Gene: ATP1A2 (ATPase Na+/K+ transporting subunit alpha 2; plus strand). Cytogenetic location: 1q23.2.
Variant type: single nucleotide variant.
Coding change: c.1412G>C on transcript NM_000702.4 (MANE Select); coding-DNA position 1412, G replaced by C.
Protein change: p.Arg471Thr; replaces arginine 471 with threonine.
Molecular consequence: missense variant.
Genome position (GRCh38, 1-based): chr1:160,129,351, G>C. VCF-style: chr1-160129351-G-C. GRCh37 (hg19) VCF-style: chr1-160099141-G-C.
Other names: short protein forms R471T.
Identifiers: ClinVar variation 2759840 (VCV002759840.5), dbSNP rs2524869970, ClinGen allele CA343242174.

ClinVar aggregate classification (germline): Uncertain significance. Review status: criteria provided, multiple submitters, no conflicts (2 of 4 stars). 2 submissions from 2 submitters: Uncertain significance (2). Last evaluated 2026-07-13.

Conditions:
Familial hemiplegic migraine. Identifiers: MedGen C0338484, MONDO:0000700.

Submissions (2):

GeneDx
Classification: Uncertain significance. Last evaluated: 2026-07-13. Review status: criteria provided, single submitter. Criteria: GeneDx Variant Classification Process June 2021. Collection method: clinical testing. Allele origin: germline.
Comment: Has not been previously published as pathogenic or benign to our knowledge; Not observed at significant frequency in large population cohorts (gnomAD); In silico analysis supports that this missense variant has a deleterious effect on protein structure/function; This variant is associated with the following publications: (PMID: 18184292)

Labcorp Genetics (formerly Invitae), Labcorp
Classification: Uncertain significance for Familial hemiplegic migraine. Last evaluated: 2023-09-10. Review status: criteria provided, single submitter. Criteria: Invitae Variant Classification Sherloc (09022015). Collection method: clinical testing. Allele origin: germline.
Comment: This sequence change replaces arginine, which is basic and polar, with threonine, which is neutral and polar, at codon 471 of the ATP1A2 protein (p.Arg471Thr). This variant is not present in population databases (gnomAD no frequency). This variant has not been reported in the literature in individuals affected with ATP1A2-related conditions. Advanced modeling of protein sequence and biophysical properties (such as structural, functional, and spatial information, amino acid conservation, physicochemical variation, residue mobility, and thermodynamic stability) performed at Invitae indicates that this missense variant is not expected to disrupt ATP1A2 protein function. In summary, the available evidence is currently insufficient to determine the role of this variant in disease. Therefore, it has been classified as a Variant of Uncertain Significance.